The following is an entry in ClinVar:

ClinVar aggregate classification (germline): Likely benign (0 of 4 stars; one submission).

Conditions:
BCORL1-related disorder. Also called: BCORL1-related condition.

Allele frequency attached by ClinVar (database versions not stated): gnomAD exomes 0.00003; ExAC 0.00013; gnomAD 0.00031; TOPMed 0.00039; ESP Exome Variant Server 0.00047; 1000 Genomes Project 0.00106; 1000 Genomes Project 30x 0.00125.
gnomAD v4.1: 74 of 1,209,126 alleles (0.0061%); highest among the groups gnomAD compares: African/African-American, 0.12%; no homozygotes.

Submission:

PreventionGenetics, part of Exact Sciences
Classification: Likely benign for BCORL1-related condition. Last evaluated: 2019-07-29. Review status: no assertion criteria provided. Collection method: clinical testing. Allele origin: germline.
Comment: This variant is classified as likely benign based on ACMG/AMP sequence variant interpretation guidelines (Richards et al. 2015 PMID: 25741868, with internal and published modifications).

NM_001379451.1(BCORL1):c.2055G>A (p.Ser685=)

Gene: BCORL1 (BCL6 corepressor like 1; plus strand). Cytogenetic location: Xq26.1.
Variant type: single nucleotide variant.
Coding change: c.2055G>A on transcript NM_001379451.1 (MANE Select); coding-DNA position 2055, G replaced by A.
Protein change: p.Ser685=; no amino-acid change (serine 685 retained).
Molecular consequence: synonymous variant.
Genome position (GRCh38, 1-based): chrX:130,014,827, G>A. VCF-style: chrX-130014827-G-A. GRCh37 (hg19) VCF-style: chrX-129148803-G-A.
Other names: c.2055G>A, p.Ser685= (NM_001184772.3, NM_001379450.1, NM_021946.5).
Identifiers: ClinVar variation 3035079 (VCV003035079.2), dbSNP rs146730788, ClinGen allele CA10514317.